The following is an entry in ClinVar:

ClinVar aggregate classification (germline): Benign. Review status: criteria provided, multiple submitters, no conflicts (2 of 4 stars). 3 submissions from 3 submitters: Benign (2). 1 of the submissions does not count toward it. Last evaluated 2021-11-02.

Conditions:
TNRC6B-related disorder. Also called: TNRC6B-related condition.

Allele frequency attached by ClinVar (database versions not stated): TOPMed 0.06552; 1000 Genomes Project 0.03454; 1000 Genomes Project 30x 0.03451; ESP Exome Variant Server 0.07634; ExAC 0.11097.
gnomAD v4.1: 150,229 of 1,576,008 alleles (9.5%); highest among the groups gnomAD compares: Non-Finnish European, 11%; 8,048 homozygotes.

Submissions (3):

GeneDx
Classification: Benign. Last evaluated: 2021-11-02. Review status: criteria provided, single submitter. Criteria: GeneDx Variant Classification Process June 2021. Collection method: clinical testing. Allele origin: germline. Affected: yes.

Breakthrough Genomics
Classification: Benign. Review status: criteria provided, single submitter. Criteria: ACMG Guidelines, 2015. Collection method: not provided. Allele origin: germline. Inheritance: Autosomal dominant inheritance. Affected: yes.

PreventionGenetics, part of Exact Sciences
Classification: Benign for TNRC6B-related condition. Last evaluated: 2019-03-05. Review status: no assertion criteria provided. Collection method: clinical testing. Allele origin: germline. Not counted in ClinVar's aggregate classification.
Comment: This variant is classified as benign based on ACMG/AMP sequence variant interpretation guidelines (Richards et al. 2015 PMID: 25741868, with internal and published modifications).

NM_001024843.2(TNRC6B):c.46G>A (p.Val16Met)

Gene: TNRC6B (trinucleotide repeat containing adaptor 6B; plus strand). Cytogenetic location: 22q13.1.
Variant type: single nucleotide variant.
Coding change: c.46G>A on transcript NM_001024843.2; coding-DNA position 46, G replaced by A.
Protein change: p.Val16Met; replaces valine 16 with methionine.
Molecular consequence: missense variant.
Genome position (GRCh38, 1-based): chr22:40,156,115, G>A. VCF-style: chr22-40156115-G-A. GRCh37 (hg19) VCF-style: chr22-40552119-G-A.
Other names: short protein forms V16M.
Identifiers: ClinVar variation 1315562 (VCV001315562.7), dbSNP rs9611280, ClinGen allele CA10246359.